The following is an entry in ClinVar:

NM_006767.4(LZTR1):c.2200A>G (p.Met734Val)

Gene: LZTR1 (leucine zipper like post translational regulator 1; plus strand). Cytogenetic location: 22q11.21.
Variant type: single nucleotide variant.
Coding change: c.2200A>G on transcript NM_006767.4 (MANE Select); coding-DNA position 2200, A replaced by G.
Protein change: p.Met734Val; replaces methionine 734 with valine.
Molecular consequence: missense variant.
Genome position (GRCh38, 1-based): chr22:20,996,093, A>G. VCF-style: chr22-20996093-A-G. GRCh37 (hg19) VCF-style: chr22-21350382-A-G.
Other names: short protein forms M734V.
Identifiers: ClinVar variation 2579379 (VCV002579379.1), dbSNP rs2518624731, ClinGen allele CA410780017.

ClinVar aggregate classification (germline): Uncertain significance (1 of 4 stars; one submission).

Submission:

GeneDx
Classification: Uncertain significance. Last evaluated: 2023-03-06. Review status: criteria provided, single submitter. Criteria: GeneDx Variant Classification Process June 2021. Collection method: clinical testing. Allele origin: germline. Affected: yes.
Comment: Not observed at significant frequency in large population cohorts (gnomAD); In silico analysis supports that this missense variant does not alter protein structure/function; Has not been previously published as pathogenic or benign to our knowledge